The following is an entry in ClinVar:

ClinVar aggregate classification (germline): Uncertain significance. Review status: criteria provided, multiple submitters, no conflicts (2 of 4 stars). 2 submissions from 2 submitters: Uncertain significance (2). Last evaluated 2026-03-11.

Conditions:
Developmental and epileptic encephalopathy, 1 (DEE1). Also called: INFANTILE SPASM SYNDROME, X-LINKED 1; X-linked infantile spasms; West's syndrome; Tonic spasms with clustering, arrest of psychomotor development and hypsarrhythmia on EEG; X-Linked Infantile Spasm Syndrome; OHTAHARA SYNDROME, X-LINKED. Identifiers: MedGen C3463992, MONDO:0010632, OMIM 308350. Disease mechanism: loss of function.
Intellectual disability, X-linked, with or without seizures, ARX-related. Also called: MENTAL RETARDATION, X-LINKED 29; MENTAL RETARDATION, X-LINKED 32; MENTAL RETARDATION, X-LINKED 33; MENTAL RETARDATION, X-LINKED 38; MENTAL RETARDATION, X-LINKED 43; MENTAL RETARDATION, X-LINKED 76. Identifiers: Orphanet 777, MedGen C0796244, MONDO:0010317, OMIM 300419.

Allele frequency attached by ClinVar (database versions not stated): gnomAD exomes below 0.00001.

Submissions (2):

GeneDx
Classification: Uncertain significance. Last evaluated: 2026-03-11. Review status: criteria provided, single submitter. Criteria: GeneDx Variant Classification Process June 2021. Collection method: clinical testing. Allele origin: germline.
Comment: Not observed at significant frequency in large population cohorts (gnomAD); In silico analysis supports that this missense variant has a deleterious effect on protein structure/function; Has not been previously published as pathogenic or benign to our knowledge

Labcorp Genetics (formerly Invitae), Labcorp
Classification: Uncertain significance for Developmental and epileptic encephalopathy, 1; Intellectual disability, X-linked, with or without seizures, ARX-related. Last evaluated: 2024-09-05. Review status: criteria provided, single submitter. Criteria: Invitae Variant Classification Sherloc (09022015). Collection method: clinical testing. Allele origin: germline.
Comment: This sequence change replaces proline, which is neutral and non-polar, with leucine, which is neutral and non-polar, at codon 446 of the ARX protein (p.Pro446Leu). This variant is not present in population databases (gnomAD no frequency). This variant has not been reported in the literature in individuals affected with ARX-related conditions. Invitae Evidence Modeling of protein sequence and biophysical properties (such as structural, functional, and spatial information, amino acid conservation, physicochemical variation, residue mobility, and thermodynamic stability) indicates that this missense variant is not expected to disrupt ARX protein function with a negative predictive value of 80%. In summary, the available evidence is currently insufficient to determine the role of this variant in disease. Therefore, it has been classified as a Variant of Uncertain Significance.

NM_139058.3(ARX):c.1337C>T (p.Pro446Leu)

Gene: ARX (aristaless related homeobox; minus strand). Cytogenetic location: Xp21.3.
Variant type: single nucleotide variant.
Coding change: c.1337C>T on transcript NM_139058.3 (MANE Select); coding-DNA position 1337, C replaced by T.
Protein change: p.Pro446Leu; replaces proline 446 with leucine.
Molecular consequence: missense variant.
Genome position (GRCh38, 1-based): chrX:25,007,222, G>A on the plus strand (C>T on the coding strand, the complement: ARX is on the minus strand). VCF-style: chrX-25007222-G-A. GRCh37 (hg19) VCF-style: chrX-25025339-G-A.
Other names: c.1337C>T (NM_139058.2); short protein forms P446L.
Identifiers: ClinVar variation 2949854 (VCV002949854.4), dbSNP rs2519101604, ClinGen allele CA412611221.
Genomic context (GRCh38, chrX:25,007,222, plus strand): 5'-AGGAAAGTGCTCAGGCCCAGCGGCGCCCCGCTGGGCGGCAGGCTGGCCGAGCCCGGAGGC[G>A]GAGGTAGGCTCGGGAAGGCGGCGGCGGCGGCGGCGGCAGCGGCAGTCCAAGCGGAGTCGA-3'
Protein context (NP_620689.1, residues 436-456): AAAAAFPSLP[Pro446Leu]PPGSASLPPS